The following is an entry in ClinVar:

ClinVar aggregate classification (germline): Uncertain significance (1 of 4 stars; one submission).

Conditions:
Inborn genetic diseases. Identifiers: MedGen C0950123, MeSH D030342.

Submission:

Ambry Genetics
Classification: Uncertain significance for Inborn genetic diseases. Last evaluated: 2024-06-13. Review status: criteria provided, single submitter. Criteria: Ambry Variant Classification Scheme 2023. Collection method: clinical testing. Allele origin: germline.
Comment: The p.S1292N variant (also known as c.3875G>A), located in coding exon 28 of the LRRK2 gene, results from a G to A substitution at nucleotide position 3875. The serine at codon 1292 is replaced by asparagine, an amino acid with highly similar properties. This amino acid position is conserved. In addition, this alteration is predicted to be tolerated by in silico analysis. Based on the available evidence, the clinical significance of this variant remains unclear.

NM_198578.4(LRRK2):c.3875G>A (p.Ser1292Asn)

Gene: LRRK2 (leucine rich repeat kinase 2; plus strand). Cytogenetic location: 12q12.
Variant type: single nucleotide variant.
Coding change: c.3875G>A on transcript NM_198578.4 (MANE Select); coding-DNA position 3875, G replaced by A.
Protein change: p.Ser1292Asn; replaces serine 1292 with asparagine.
Molecular consequence: missense variant.
Genome position (GRCh38, 1-based): chr12:40,305,882, G>A. VCF-style: chr12-40305882-G-A. GRCh37 (hg19) VCF-style: chr12-40699684-G-A.
Other names: short protein forms S1292N.
Identifiers: ClinVar variation 3292066 (VCV003292066.1).